The following is an entry in ClinVar:

NM_177438.3(DICER1):c.3033_3045del (p.Leu1012fs)

Gene: DICER1 (dicer 1, ribonuclease III; minus strand). Cytogenetic location: 14q32.13.
Variant type: Deletion.
Coding change: c.3033_3045del on transcript NM_177438.3 (MANE Select); coding-DNA positions 3033 to 3045, 13 bases deleted (GCTTCCTTTAAGC).
Protein change: p.Leu1012fs; shifts the reading frame from leucine 1012.
Molecular consequence: frameshift variant.
Genome position (GRCh38, 1-based): chr14:95,105,726-95,105,738, GCTTAAAGGAAGC deleted on the plus strand (GCTTCCTTTAAGC on the coding strand, the reverse complement: DICER1 is on the minus strand); deleting any 13 consecutive bases within chr14:95,105,726-95,105,742 gives the same sequence; the c. name uses the placement nearest the transcript's 3' end. VCF-style (leftmost placement, unchanged base first): chr14-95105725-TGCTTAAAGGAAGC-T. GRCh37 (hg19) VCF-style: chr14-95572062-TGCTTAAAGGAAGC-T.
Other names: c.3033_3045del, p.Leu1012fs (NM_001195573.1, NM_001271282.3, NM_001291628.2 and 1 more transcripts); short protein forms L1012fs.
Identifiers: ClinVar variation 933105 (VCV000933105.3), dbSNP rs1891358446, ClinGen allele CA1139663643.

ClinVar aggregate classification (germline): Pathogenic (1 of 4 stars; one submission).

Conditions:
DICER1-related tumor predisposition. Also called: DICER1-related pleuropulmonary blastoma cancer predisposition syndrome; DICER1 syndrome. Identifiers: Orphanet 284343, MedGen C3839822, MONDO:0100216.

Submission:

Foulkes Cancer Genetics LDI, Lady Davis Institute for Medical Research
Classification: Pathogenic for Pleuropulmonary blastoma. Last evaluated: 2019-07-01. Review status: criteria provided, single submitter. Criteria: ACMG Guidelines, 2015. Collection method: curation. Allele origin: germline. Affected: yes. Observed: 1 variant allele.
Comment: ACMG criteria met: PVS1, PM2, PP4

Literature cited by the submitters: PubMed 24481001.